The following is an entry in ClinVar:

ClinVar aggregate classification (germline): Benign (1 of 4 stars; one submission).

Allele frequency attached by ClinVar (database versions not stated): 1000 Genomes Project 30x 0.00874; 1000 Genomes Project 0.00938; ESP Exome Variant Server 0.01434; gnomAD 0.01638; TOPMed 0.01680; ExAC 0.01809; gnomAD exomes 0.02173.
gnomAD v4.1: 34,079 of 1,613,946 alleles (2.1%); highest among the groups gnomAD compares: Middle Eastern, 2.6%; 445 homozygotes.

Submission:

CeGaT Center for Human Genetics Tuebingen
Classification: Benign. Last evaluated: 2023-11-01. Review status: criteria provided, single submitter. Criteria: CeGaT Center For Human Genetics Tuebingen Variant Classification Criteria Version 2. Collection method: clinical testing. Allele origin: germline. Affected: yes. Observed: 3 variant alleles.
Comment: MDC1: BP4, BS1, BS2

NM_014641.3(MDC1):c.5648G>A (p.Arg1883Gln)

Genes: MDC1 (mediator of DNA damage checkpoint 1; minus strand), MDC1-AS1 (MDC1 antisense RNA 1; plus strand). Cytogenetic location: 6p21.33.
Variant type: single nucleotide variant.
Coding change: c.5648G>A on transcript NM_014641.3 (MANE Select); coding-DNA position 5648, G replaced by A.
Protein change: p.Arg1883Gln; replaces arginine 1883 with glutamine.
Molecular consequence: missense variant.
Genome position (GRCh38, 1-based): chr6:30,703,452, C>T on the plus strand (G>A on the coding strand, the complement: MDC1 is on the minus strand). VCF-style: chr6-30703452-C-T. GRCh37 (hg19) VCF-style: chr6-30671229-C-T.
Other names: short protein forms R1883Q.
Identifiers: ClinVar variation 2656340 (VCV002656340.24), dbSNP rs28994875, ClinGen allele CA3702400.
Genomic context (GRCh38, chr6:30,703,452, plus strand): 5'-CAAAGTCCCATGCCTTTGTCTCTTACTTTGGGGGCTGTTGATTCTTGGTTAAGTTTGGTC[C>T]GTCGGAGGCTGCGGCTTGGTATTCTGTTGGGCTCCTCCTCTGCCTGGTCTCTCTTTCTCT-3'
Protein context (NP_055456.2, residues 1873-1893): PNRIPSRSLR[Arg1883Gln]TKLNQESTAP